The following is an entry in ClinVar:

ClinVar aggregate classification (germline): Uncertain significance (1 of 4 stars; one submission).

gnomAD v4.1: 1 of 1,611,782 alleles (0.000062%); no homozygotes.

Submission:

Ambry Genetics
Classification: Uncertain significance. Last evaluated: 2024-11-25. Review status: criteria provided, single submitter. Criteria: Ambry Variant Classification Scheme 2023. Collection method: clinical testing. Allele origin: germline.
Comment: The p.P915T variant (also known as c.2743C>A), located in coding exon 8 of the CDK12 gene, results from a C to A substitution at nucleotide position 2743. The proline at codon 915 is replaced by threonine, an amino acid with highly similar properties. This amino acid position is conserved. In addition, the in silico prediction for this alteration is inconclusive. Based on the available evidence, the clinical significance of this variant remains unclear.

NM_016507.4(CDK12):c.2743C>A (p.Pro915Thr)

Gene: CDK12 (cyclin dependent kinase 12; plus strand). Cytogenetic location: 17q12.
Variant type: single nucleotide variant.
Coding change: c.2743C>A on transcript NM_016507.4 (MANE Select); coding-DNA position 2743, C replaced by A.
Protein change: p.Pro915Thr; replaces proline 915 with threonine.
Molecular consequence: missense variant.
Genome position (GRCh38, 1-based): chr17:39,511,605, C>A. VCF-style: chr17-39511605-C-A. GRCh37 (hg19) VCF-style: chr17-37667858-C-A.
Other names: c.2743C>A, p.Pro915Thr (NM_015083.4); short protein forms P915T.
Identifiers: ClinVar variation 3489297 (VCV003489297.1).